The following is an entry in ClinVar:

ClinVar aggregate classification (germline): Uncertain significance. Review status: criteria provided, multiple submitters, no conflicts (2 of 4 stars). 5 submissions from 5 submitters: Uncertain significance (5). Last evaluated 2024-03-06.

Conditions:
Classic or attenuated familial adenomatous polyposis. Identifiers: MedGen CN372698, MONDO:0021057.
Hereditary cancer-predisposing syndrome. Also called: Tumor predisposition; Hereditary neoplastic syndrome; Hereditary Cancer Syndrome; Neoplastic Syndromes, Hereditary. Identifiers: Orphanet 140162, MedGen C0027672, MeSH D009386, MONDO:0015356.
Familial adenomatous polyposis 1 (FAP1). Also called: POLYPOSIS, ADENOMATOUS INTESTINAL; FAMILIAL ADENOMATOUS POLYPOSIS 1, ATTENUATED. Identifiers: MedGen C2713442, MONDO:0021056, OMIM 175100. Disease mechanism: loss of function.

Allele frequency attached by ClinVar (database versions not stated): gnomAD exomes below 0.00001.
gnomAD v4.1: 2 of 1,612,678 alleles (0.00012%); highest among the groups gnomAD compares: East Asian, 0.0022%; no homozygotes.

Submissions (5):

Color Diagnostics, LLC DBA Color Health
Classification: Uncertain significance for Hereditary cancer-predisposing syndrome. Last evaluated: 2024-03-06. Review status: criteria provided, single submitter. Criteria: ACMG Guidelines, 2015. Collection method: clinical testing. Allele origin: germline.
Comment: This missense variant replaces histidine with arginine at codon 462 of the APC protein. Computational prediction is inconclusive regarding the impact of this variant on protein structure and function (internally defined REVEL score threshold 0.5 < inconclusive < 0.7, PMID: 27666373). To our knowledge, functional studies have not been reported for this variant. This variant has not been reported in individuals affected with APC-related disorders in the literature. This variant has not been identified in the general population by the Genome Aggregation Database (gnomAD). The available evidence is insufficient to determine the role of this variant in disease conclusively. Therefore, this variant is classified as a Variant of Uncertain Significance.

All of Us Research Program, National Institutes of Health
Classification: Uncertain significance for Classic or attenuated familial adenomatous polyposis. Last evaluated: 2023-09-17. Review status: criteria provided, single submitter. Criteria: ACMG Guidelines, 2015. Collection method: clinical testing. Allele origin: germline. Inheritance: Autosomal dominant inheritance. Observed: 2 variant alleles, 2 heterozygotes.
Comment: This missense variant replaces histidine with arginine at codon 462 of the APC protein. Computational prediction is inconclusive regarding the impact of this variant on protein structure and function (internally defined REVEL score threshold 0.5 < inconclusive < 0.7, PMID: 27666373). To our knowledge, functional studies have not been reported for this variant. This variant has not been reported in individuals affected with APC-related disorders in the literature. This variant has not been identified in the general population by the Genome Aggregation Database (gnomAD). The available evidence is insufficient to determine the role of this variant in disease conclusively. Therefore, this variant is classified as a Variant of Uncertain Significance.

This study involves interpretation of variants in research participants for the purpose of population health screening. Participant phenotype was not available at the time of variant classification. Additional details can be found in publication PMID: 35346344, PMCID: PMC8962531

Ambry Genetics
Classification: Uncertain significance for Hereditary cancer-predisposing syndrome. Last evaluated: 2023-08-02. Review status: criteria provided, single submitter. Criteria: Ambry Variant Classification Scheme 2023. Collection method: clinical testing. Allele origin: germline.
Comment: The p.H462R variant (also known as c.1385A>G), located in coding exon 10 of the APC gene, results from an A to G substitution at nucleotide position 1385. The histidine at codon 462 is replaced by arginine, an amino acid with highly similar properties. This amino acid position is highly conserved in available vertebrate species. In addition, in silico predictors for this gene do not accurately predict pathogenicity. Since supporting evidence is limited at this time, the clinical significance of this alteration remains unclear.

Labcorp Genetics (formerly Invitae), Labcorp
Classification: Uncertain significance for Familial adenomatous polyposis 1. Last evaluated: 2022-03-20. Review status: criteria provided, single submitter. Criteria: Invitae Variant Classification Sherloc (09022015). Collection method: clinical testing. Allele origin: germline.
Comment: In summary, the available evidence is currently insufficient to determine the role of this variant in disease. Therefore, it has been classified as a Variant of Uncertain Significance. Algorithms developed to predict the effect of missense changes on protein structure and function are either unavailable or do not agree on the potential impact of this missense change (SIFT: "Deleterious"; PolyPhen-2: "Possibly Damaging"; Align-GVGD: "Class C0"). ClinVar contains an entry for this variant (Variation ID: 578359). This variant has not been reported in the literature in individuals affected with APC-related conditions. This variant is not present in population databases (gnomAD no frequency). This sequence change replaces histidine, which is basic and polar, with arginine, which is basic and polar, at codon 462 of the APC protein (p.His462Arg).

Sema4
Classification: Uncertain significance for Hereditary cancer-predisposing syndrome. Last evaluated: 2022-02-02. Review status: criteria provided, single submitter. Criteria: Sema4 Curation Guidelines. Collection method: curation. Allele origin: germline.
Comment: The APC c.1385A>G (p.H462R) variant has not been reported in the literature to our knowledge. It was not observed in the large and broad cohorts of the Genome Aggregation Database (PMID: 32461654). This variant has been reported in ClinVar (Variation ID: 578359). Functional studies have not been performed, and in silico predictions of the variant's effect on protein function are inconclusive. The evidence is insufficient to meet ACMG/AMP criteria for classifying the variant as benign or pathogenic. Thus, the clinical significance of this variant is currently uncertain.

NM_000038.6(APC):c.1385A>G (p.His462Arg)

Gene: APC (APC regulator of Wnt signaling pathway; plus strand). Cytogenetic location: 5q22.2.
Variant type: single nucleotide variant.
Coding change: c.1385A>G on transcript NM_000038.6 (MANE Select); coding-DNA position 1385, A replaced by G.
Protein change: p.His462Arg; replaces histidine 462 with arginine.
Molecular consequence: missense variant.
Genome position (GRCh38, 1-based): chr5:112,821,968, A>G. VCF-style: chr5-112821968-A-G. GRCh37 (hg19) VCF-style: chr5-112157665-A-G.
Other names: c.1208A>G, p.His403Arg (NM_001354901.2, NM_001354900.2); c.1112A>G, p.His371Arg (NM_001354902.2); c.1082A>G, p.His361Arg (NM_001354903.2); c.1007A>G, p.His336Arg (NM_001354904.2); c.905A>G, p.His302Arg (NM_001354905.2); c.536A>G, p.His179Arg (NM_001354906.2); c.1385A>G, p.His462Arg (NM_001127510.3, NM_001354895.2, NM_001354896.2); c.1331A>G, p.His444Arg (NM_001127511.3); and 3 more; short protein forms H462R, H444R, H302R, H361R, H179R, H434R, H472R, H371R.
Identifiers: ClinVar variation 578359 (VCV000578359.17), dbSNP rs1561546254, ClinGen allele CA16024341.